The following is an entry in ClinVar:

NM_181426.2(CCDC39):c.2170G>A (p.Glu724Lys)

Gene: CCDC39 (coiled-coil domain 39 molecular ruler complex subunit; minus strand). Cytogenetic location: 3q26.33.
Variant type: single nucleotide variant.
Coding change: c.2170G>A on transcript NM_181426.2 (MANE Select); coding-DNA position 2170, G replaced by A.
Protein change: p.Glu724Lys; replaces glutamic acid 724 with lysine.
Molecular consequence: missense variant.
Genome position (GRCh38, 1-based): chr3:180,619,354, C>T on the plus strand (G>A on the coding strand, the complement: CCDC39 is on the minus strand). VCF-style: chr3-180619354-C-T. GRCh37 (hg19) VCF-style: chr3-180337142-C-T.
Other names: short protein forms E724K.
Identifiers: ClinVar variation 1985812 (VCV001985812.4), dbSNP rs759035327, ClinGen allele CA2715740.
Genomic context (GRCh38, chr3:180,619,354, plus strand): 5'-GTTTGTATCTGTATTTTTCATCAACAGCTCTTTTTTGTTCTTCTAGTTGAATTTTTAGCT[C>T]ATACTCATCACCTGAAATGTAGAACATTTTTAGTTTAAAATTTCAACATACTAAGTAGAA-3'
Protein context (NP_852091.1, residues 714-734): KKVTPSSDEY[Glu724Lys]LKIQLEEQKR

ClinVar aggregate classification (germline): Uncertain significance. Review status: criteria provided, multiple submitters, no conflicts (2 of 4 stars). 2 submissions from 2 submitters: Uncertain significance (2). Last evaluated 2024-10-22.

Conditions:
Primary ciliary dyskinesia. Also called: Ciliary dyskinesia. Identifiers: Orphanet 244, MedGen C0008780, MONDO:0016575, HP:0012265.

Allele frequency attached by ClinVar (database versions not stated): gnomAD exomes below 0.00001; TOPMed below 0.00001.
gnomAD v4.1: 3 of 1,484,276 alleles (0.0002%); highest among the groups gnomAD compares: Admixed American, 0.004%; no homozygotes.

Submissions (2):

Labcorp Genetics (formerly Invitae), Labcorp
Classification: Uncertain significance for Primary ciliary dyskinesia. Last evaluated: 2024-10-22. Review status: criteria provided, single submitter. Criteria: Invitae Variant Classification Sherloc (09022015). Collection method: clinical testing. Allele origin: germline.
Comment: This sequence change replaces glutamic acid, which is acidic and polar, with lysine, which is basic and polar, at codon 724 of the CCDC39 protein (p.Glu724Lys). This variant is present in population databases (rs759035327, gnomAD 0.009%). This variant has not been reported in the literature in individuals affected with CCDC39-related conditions. ClinVar contains an entry for this variant (Variation ID: 1985812). An algorithm developed to predict the effect of missense changes on protein structure and function (PolyPhen-2) suggests that this variant is likely to be tolerated. In summary, the available evidence is currently insufficient to determine the role of this variant in disease. Therefore, it has been classified as a Variant of Uncertain Significance.

Blueprint Genetics
Classification: Uncertain significance. Last evaluated: 2022-07-20. Review status: criteria provided, single submitter. Criteria: ACMG Guidelines, 2015. Collection method: clinical testing. Allele origin: germline.